The following is an entry in ClinVar:

ClinVar aggregate classification (germline): Uncertain significance (1 of 4 stars; one submission).

Submission:

Laboratory for Molecular Medicine, Mass General Brigham Personalized Medicine
Classification: Uncertain significance. Last evaluated: 2020-02-11. Review status: criteria provided, single submitter. Criteria: LMM Criteria. Collection method: clinical testing. Allele origin: germline. Observed: 2 variant alleles.
Comment: Variant classified as Uncertain Significance - Favor Pathogenic. The p.Gln576Pro variant in MIPEP has not been previously reported in individuals with a severe cardiac and neurodevelopmental disease and was absent from large population studies. This variant was identified in compound heterozygous state with a loss-of-function variant in an individual with childhood-onset heart failure, absent speech, and inability to walk by the Broad Institute Rare Genomes Project. Computational prediction tools and conservation analysis suggest that the p.Gln576Pro variant may impact the protein, though this information is not predictive enough to determine pathogenicity. In summary, while there is some suspicion for a pathogenic role, the clinical significance of this variant is uncertain. ACMG/AMP Criteria applied: PM2, PM3, PP3

NM_005932.4(MIPEP):c.1727A>C (p.Gln576Pro)

Gene: MIPEP (mitochondrial intermediate peptidase; minus strand). Cytogenetic location: 13q12.12.
Variant type: single nucleotide variant.
Coding change: c.1727A>C on transcript NM_005932.4 (MANE Select); coding-DNA position 1727, A replaced by C.
Protein change: p.Gln576Pro; replaces glutamine 576 with proline.
Molecular consequence: missense variant.
Genome position (GRCh38, 1-based): chr13:23,809,851, T>G on the plus strand (A>C on the coding strand, the complement: MIPEP is on the minus strand). VCF-style: chr13-23809851-T-G. GRCh37 (hg19) VCF-style: chr13-24383990-T-G.
Other names: short protein forms Q576P.
Identifiers: ClinVar variation 930152 (VCV000930152.4), dbSNP rs1953152428, ClinGen allele CA387679659.
Genomic context (GRCh38, chr13:23,809,851, plus strand): 5'-TTATATATTTATTTGGGATAATGACTCCGGAAAACTTCAGAACAAAGGTACATACATACC[T>G]GAAGTTGCATATCAGCTGCAGCACAAACCTTTTTAGATTCACAAAGACGAGACACCATAT-3'
Protein context (NP_005923.3, residues 566-586): KVCAAADMQL[Gln576Pro]VFYATLDQIY